The following is an entry in ClinVar:

NM_014727.3(KMT2B):c.5636del (p.Gly1879fs)

Gene: KMT2B (lysine methyltransferase 2B; plus strand). Cytogenetic location: 19q13.12.
Variant type: Deletion.
Coding change: c.5636del on transcript NM_014727.3 (MANE Select); coding-DNA position 5636, one base deleted (G; older notation c.5636delG).
Protein change: p.Gly1879fs; shifts the reading frame from glycine 1879.
Molecular consequence: frameshift variant.
Genome position (GRCh38, 1-based): chr19:35,732,106, G deleted; the last of 6 consecutive G bases (chr19:35,732,101-35,732,106); deleting any one gives the same sequence. VCF-style (leftmost placement, unchanged base first): chr19-35732100-TG-T. GRCh37 (hg19) VCF-style: chr19-36223001-TG-T.
Other names: short protein forms G1879fs.
Identifiers: ClinVar variation 2662907 (VCV002662907.1), dbSNP rs2513349459, ClinGen allele CA507307863.

ClinVar aggregate classification (germline): Pathogenic (1 of 4 stars; one submission).

Submission:

GeneDx
Classification: Pathogenic. Last evaluated: 2023-05-02. Review status: criteria provided, single submitter. Criteria: GeneDx Variant Classification Process June 2021. Collection method: clinical testing. Allele origin: germline. Affected: yes.
Comment: Frameshift variant predicted to result in protein truncation or nonsense mediated decay in a gene for which loss of function is a known mechanism of disease; Not observed at significant frequency in large population cohorts (gnomAD); This variant is associated with the following publications: (PMID: 29653907)